The following is an entry in ClinVar:

NM_024580.6(EFL1):c.805G>A (p.Gly269Arg)

Gene: EFL1 (elongation factor like GTPase 1; minus strand). Cytogenetic location: 15q25.2.
Variant type: single nucleotide variant.
Coding change: c.805G>A on transcript NM_024580.6 (MANE Select); coding-DNA position 805, G replaced by A.
Protein change: p.Gly269Arg; replaces glycine 269 with arginine.
Molecular consequence: missense variant. On other transcripts: non-coding transcript variant (1).
Genome position (GRCh38, 1-based): chr15:82,230,898, C>T on the plus strand (G>A on the coding strand, the complement: EFL1 is on the minus strand). VCF-style: chr15-82230898-C-T. GRCh37 (hg19) VCF-style: chr15-82523239-C-T.
Other names: c.652G>A, p.Gly218Arg (NM_001040610.3); c.16G>A, p.Gly6Arg (NM_001322844.2); c.805G>A, p.Gly269Arg (NM_001322845.2); short protein forms G269R, G6R, G218R.
Identifiers: ClinVar variation 1465424 (VCV001465424.8), dbSNP rs369097223, ClinGen allele CA7698187.

ClinVar aggregate classification (germline): Uncertain significance. Review status: criteria provided, multiple submitters, no conflicts (2 of 4 stars). 2 submissions from 2 submitters: Uncertain significance (2). Last evaluated 2024-02-09.

Allele frequency attached by ClinVar (database versions not stated): gnomAD 0.00001; TOPMed 0.00001; ExAC 0.00002; gnomAD exomes 0.00002 and 0.00006; ESP Exome Variant Server 0.00017.
gnomAD v4.1: 91 of 1,613,316 alleles (0.0056%); highest among the groups gnomAD compares: Non-Finnish European, 0.0075%; no homozygotes.

Submissions (2):

Labcorp Genetics (formerly Invitae), Labcorp
Classification: Uncertain significance. Last evaluated: 2024-02-09. Review status: criteria provided, single submitter. Criteria: Invitae Variant Classification Sherloc (09022015). Collection method: clinical testing. Allele origin: germline.
Comment: This sequence change replaces glycine, which is neutral and non-polar, with arginine, which is basic and polar, at codon 269 of the EFL1 protein (p.Gly269Arg). This variant is present in population databases (rs369097223, gnomAD 0.007%). This variant has not been reported in the literature in individuals affected with EFL1-related conditions. ClinVar contains an entry for this variant (Variation ID: 1465424). Advanced modeling of protein sequence and biophysical properties (such as structural, functional, and spatial information, amino acid conservation, physicochemical variation, residue mobility, and thermodynamic stability) performed at Invitae indicates that this missense variant is expected to disrupt EFL1 protein function with a positive predictive value of 80%. In summary, the available evidence is currently insufficient to determine the role of this variant in disease. Therefore, it has been classified as a Variant of Uncertain Significance.

Blueprint Genetics
Classification: Uncertain significance. Last evaluated: 2024-01-15. Review status: criteria provided, single submitter. Criteria: ACMG Guidelines, 2015. Collection method: clinical testing. Allele origin: germline.